The following is an entry in ClinVar:

NM_002335.4(LRP5):c.1870del (p.Arg624fs)

Gene: LRP5 (LDL receptor related protein 5; plus strand). Cytogenetic location: 11q13.2.
Variant type: Deletion.
Coding change: c.1870del on transcript NM_002335.4 (MANE Select); coding-DNA position 1870, one base deleted (C; older notation c.1870delC).
Protein change: p.Arg624fs; shifts the reading frame from arginine 624.
Molecular consequence: frameshift variant.
Genome position (GRCh38, 1-based): chr11:68,406,592, C deleted; the last of 3 consecutive C bases (chr11:68,406,590-68,406,592); deleting any one gives the same sequence. VCF-style (leftmost placement, unchanged base first): chr11-68406589-AC-A. GRCh37 (hg19) VCF-style: chr11-68174057-AC-A.
Other names: c.127del, p.Arg43fs (NM_001291902.2); short protein forms R43fs, R624fs.
Identifiers: ClinVar variation 2707773 (VCV002707773.3), dbSNP rs2496718398, ClinGen allele CA2697548775.

ClinVar aggregate classification (germline): Pathogenic (1 of 4 stars; one submission).

Submission:

Labcorp Genetics (formerly Invitae), Labcorp
Classification: Pathogenic. Last evaluated: 2023-10-05. Review status: criteria provided, single submitter. Criteria: Invitae Variant Classification Sherloc (09022015). Collection method: clinical testing. Allele origin: germline.
Comment: This sequence change creates a premature translational stop signal (p.Arg624Glyfs*11) in the LRP5 gene. It is expected to result in an absent or disrupted protein product. Loss-of-function variants in LRP5 are known to be pathogenic (PMID: 11719191, 16252235, 25711638). This variant is not present in population databases (gnomAD no frequency). This variant has not been reported in the literature in individuals affected with LRP5-related conditions. For these reasons, this variant has been classified as Pathogenic.

Literature cited by the submitters: PubMed 11719191; PubMed 16252235; PubMed 25711638.